The following is an entry in ClinVar:

ClinVar aggregate classification (germline): Uncertain significance (1 of 4 stars; one submission).

Conditions:
Marfan syndrome (MFS). Also called: MARFAN SYNDROME, TYPE I; Marfan syndrome type 1; Marfan's syndrome; Marfan syndrome, classic; FBN1-Related Marfan Syndrome. Identifiers: Orphanet 284963, Orphanet 558, MedGen C0024796, MONDO:0007947, OMIM 154700.

Allele frequency attached by ClinVar (database versions not stated): gnomAD exomes below 0.00001.
gnomAD v4.1: 1 of 1,613,936 alleles (0.000062%); highest among the groups gnomAD compares: Non-Finnish European, 0.000085%; no homozygotes.

Submission:

All of Us Research Program, National Institutes of Health
Classification: Uncertain significance for Marfan syndrome. Last evaluated: 2023-11-20. Review status: criteria provided, single submitter. Criteria: ACMG Guidelines, 2015. Collection method: clinical testing. Allele origin: germline. Inheritance: Autosomal dominant inheritance. Observed: 1 variant allele, 1 heterozygote.
Comment: This missense variant replaces valine with leucine at codon 15 of the FBN1 protein. Computational prediction suggests that this variant may not impact protein structure and function (internally defined REVEL score threshold <= 0.5, PMID: 27666373). To our knowledge, functional studies have not been reported for this variant. This variant has not been reported in individuals affected with FBN1-related disorders in the literature. This variant has not been identified in the general population by the Genome Aggregation Database (gnomAD). The available evidence is insufficient to determine the role of this variant in disease conclusively. Therefore, this variant is classified as a Variant of Uncertain Significance.

This study involves interpretation of variants in research participants for the purpose of population health screening. Participant phenotype was not available at the time of variant classification. Additional details can be found in publication PMID: 35346344, PMCID: PMC8962531

NM_000138.5(FBN1):c.43G>C (p.Val15Leu)

Genes: FBN1 (fibrillin 1; minus strand), LOC130057019 (ATAC-STARR-seq lymphoblastoid silent region 6417; plus strand). Cytogenetic location: 15q21.1.
Variant type: single nucleotide variant.
Coding change: c.43G>C on transcript NM_000138.5 (MANE Select); coding-DNA position 43, G replaced by C.
Protein change: p.Val15Leu; replaces valine 15 with leucine.
Molecular consequence: missense variant.
Genome position (GRCh38, 1-based): chr15:48,644,727, C>G on the plus strand (G>C on the coding strand, the complement: FBN1 is on the minus strand). VCF-style: chr15-48644727-C-G. GRCh37 (hg19) VCF-style: chr15-48936924-C-G.
Other names: c.43G>C, p.Val15Leu (NM_001406716.1, NM_001406717.1, NM_001406718.1); short protein forms V15L.
Identifiers: ClinVar variation 3074457 (VCV003074457.1), dbSNP rs1890262474, ClinGen allele CA392453881.